The following is an entry in ClinVar:

NM_000540.3(RYR1):c.7615-11del

Gene: RYR1 (ryanodine receptor 1; plus strand). Cytogenetic location: 19q13.2.
Variant type: Deletion.
Coding change: c.7615-11del on transcript NM_000540.3 (MANE Select); 11 bases into the intron before coding-DNA position 7615, one base deleted (C; older notation c.7615-11delC).
Molecular consequence: intron variant.
Genome position (GRCh38, 1-based): chr19:38,502,496, C deleted; the last of 3 consecutive C bases (chr19:38,502,494-38,502,496); deleting any one gives the same sequence. VCF-style (leftmost placement, unchanged base first): chr19-38502493-AC-A. GRCh37 (hg19) VCF-style: chr19-38993133-AC-A.
Other names: c.7615-11del (NM_001042723.2); c.7615-11delC (NM_000540.3).
Identifiers: ClinVar variation 2853936 (VCV002853936.7), dbSNP rs918526484, ClinGen allele CA308111771.
Genomic context (GRCh38, chr19:38,502,493, plus strand): 5'-CAGTCGCTCAAGACAGGTGCCAGAGCAGCCCCAGGGGTGTGCAGCGGGCCTGATGTCCTC[AC>A]CCTGCGCCCTAGGCCACTTTCAGCACCACCGAGATGGCGCTGGCGCTGAACCGCTACCTG-3'

ClinVar aggregate classification (germline): Conflicting classifications of pathogenicity. Review status: criteria provided, conflicting classifications (1 of 4 stars). 5 submissions from 5 submitters: Uncertain significance (2); Likely benign (2). 1 of the submissions does not count toward it. Last evaluated 2025-11-11.

Conditions:
Malignant hyperthermia, susceptibility to, 1 (MHS1). Also called: RYR1-Related Malignant Hyperthermia Susceptibility; Anesthesia related hyperthermia; Malignant hyperpyrexia; Fulminating hyperpyrexia; Pharmacogenic myopathy; Malignant hyperthermia suceptibility 1. Identifiers: Orphanet 423, MedGen C2930980, MONDO:0007783, OMIM 145600.
RYR1-related disorder. Also called: RYR1-related condition; RYR1-related disorders. Identifiers: MedGen CN239331.

Submissions (5):

Women's Health and Genetics/Laboratory Corporation of America, LabCorp
Classification: Likely benign. Last evaluated: 2025-11-11. Review status: criteria provided, single submitter. Criteria: LabCorp Variant Classification Summary - May 2015. Collection method: clinical testing. Allele origin: germline.
Comment: Variant summary: RYR1 c.7615-11delC alters a non-conserved nucleotide located at a position not widely known to affect splicing. Consensus agreement among computation tools predict no significant impact on normal splicing. However, these predictions have yet to be confirmed by functional studies. The variant was absent in 236996 control chromosomes. The available data on variant occurrences in the general population are insufficient to allow any conclusion about variant significance. To our knowledge, no occurrence of c.7615-11delC in individuals affected with RYR1-related conditions and no experimental evidence demonstrating its impact on protein function have been reported. ClinVar contains an entry for this variant (Variation ID: 2853936). Based on the evidence outlined above, the variant was classified as likely benign.

Labcorp Genetics (formerly Invitae), Labcorp
Classification: Likely benign for RYR1-related disorder. Last evaluated: 2024-10-18. Review status: criteria provided, single submitter. Criteria: Invitae Variant Classification Sherloc (09022015). Collection method: clinical testing. Allele origin: germline.

GeneDx
Classification: Uncertain significance. Last evaluated: 2023-10-10. Review status: criteria provided, single submitter. Criteria: GeneDx Variant Classification Process June 2021. Collection method: clinical testing. Allele origin: germline. Affected: yes.
Comment: Has not been previously published as pathogenic or benign to our knowledge; Not observed at significant frequency in large population cohorts (gnomAD); In silico analysis supports that this variant does not alter splicing

Color Diagnostics, LLC DBA Color Health
Classification: Uncertain significance for Malignant hyperthermia, susceptibility to, 1. Last evaluated: 2023-09-08. Review status: criteria provided, single submitter. Criteria: ACMG Guidelines, 2015. Collection method: clinical testing. Allele origin: germline.
Comment: This variant causes the deletion of one nucleotide at the -11 position in intron 47 of the RYR1 gene. To our knowledge, functional studies have not been reported for this variant. This variant has not been reported in individuals affected with RYR1-related disorders in the literature. This variant has been identified in 1/31202 chromosomes in the general population by the Genome Aggregation Database (gnomAD). The available evidence is insufficient to determine the role of this variant in disease conclusively. Therefore, this variant is classified as a Variant of Uncertain Significance.

PreventionGenetics, part of Exact Sciences
Classification: Likely benign for RYR1-related condition. Last evaluated: 2024-05-26. Review status: no assertion criteria provided. Collection method: clinical testing. Allele origin: germline. Not counted in ClinVar's aggregate classification.
Comment: This variant is classified as likely benign based on ACMG/AMP sequence variant interpretation guidelines (Richards et al. 2015 PMID: 25741868, with internal and published modifications).